The following is an entry in ClinVar:

ClinVar aggregate classification (germline): Pathogenic. Review status: criteria provided, multiple submitters, no conflicts (2 of 4 stars). 2 submissions from 2 submitters: Pathogenic (2). Last evaluated 2020-08-31.

Conditions:
Familial cancer of breast. Also called: BREAST CANCER, FAMILIAL; hereditary breast carcinoma; Hereditary breast cancer. Identifiers: Orphanet 227535, MedGen C0346153, MONDO:0016419, OMIM 114480. Disease mechanism: loss of function.
Hereditary cancer-predisposing syndrome. Also called: Neoplastic Syndromes, Hereditary; Tumor predisposition; Hereditary Cancer Syndrome; Hereditary neoplastic syndrome. Identifiers: Orphanet 140162, MedGen C0027672, MeSH D009386, MONDO:0015356.

Submissions (2):

Color Diagnostics, LLC DBA Color Health
Classification: Pathogenic for Hereditary cancer-predisposing syndrome. Last evaluated: 2020-08-31. Review status: criteria provided, single submitter. Criteria: ACMG Guidelines, 2015. Collection method: clinical testing. Allele origin: germline.
Comment: This variant inserts 2 nucleotides in exon 11 of the CHEK2 gene, creating a frameshift and premature translation stop signal. This variant is expected to result in an absent or non-functional protein product. To our knowledge, this variant has not been reported in individuals affected with hereditary cancer in the literature. This variant has not been identified in the general population by the Genome Aggregation Database (gnomAD). Loss of CHEK2 function is a known mechanism of disease. Based on the available evidence, this variant is classified as Pathogenic.

Labcorp Genetics (formerly Invitae), Labcorp
Classification: Pathogenic for Familial cancer of breast. Last evaluated: 2017-06-08. Review status: criteria provided, single submitter. Criteria: Invitae Variant Classification Sherloc (09022015). Collection method: clinical testing. Allele origin: germline.
Comment: This sequence change creates a premature translational stop signal (p.Thr389Profs*26) in the CHEK2 gene. It is expected to result in an absent or disrupted protein product. This variant is not present in population databases (ExAC no frequency). This variant has not been reported in the literature in individuals with a CHEK2-related disease. Loss-of-function variants in CHEK2 are known to be pathogenic (PMID: 21876083, 24713400). For these reasons, this variant has been classified as Pathogenic.

Literature cited by the submitters: PubMed 21876083 (cited by Labcorp Genetics (formerly Invitae), Labcorp); PubMed 24713400 (cited by Labcorp Genetics (formerly Invitae), Labcorp).

NM_007194.4(CHEK2):c.1163_1164dup (p.Thr389fs)

Gene: CHEK2 (checkpoint kinase 2; minus strand). Cytogenetic location: 22q12.1.
Variant type: Duplication.
Coding change: c.1163_1164dup on transcript NM_007194.4 (MANE Select); coding-DNA positions 1163 to 1164, 2 bases duplicated (CC; older notation c.1163_1164dupCC).
Protein change: p.Thr389fs; shifts the reading frame from threonine 389.
Molecular consequence: frameshift variant.
Genome position (GRCh38, 1-based): chr22:28,695,805-28,695,806, GG duplicated on the plus strand (CC on the coding strand, the reverse complement: CHEK2 is on the minus strand); duplicating any 2 consecutive bases within chr22:28,695,805-28,695,809 gives the same sequence; the c. name uses the placement nearest the transcript's 3' end. VCF-style (leftmost placement, unchanged base first): chr22-28695804-T-TGG. GRCh37 (hg19) VCF-style: chr22-29091792-T-TGG.
Other names: c.1163_1164dupCC (NM_007194.3); c.1289_1290dup, p.Thr432Profs (NM_001005735.3); c.497_498dup, p.Thr168Profs (NM_001257387.3); c.959_960dup, p.Thr322Profs (NM_001349956.3); c.1073_1074dup, p.Thr360Profs (NM_145862.3); short protein forms T360fs, T322fs, T389fs, T432fs, T168fs.
Identifiers: ClinVar variation 460789 (VCV000460789.10), dbSNP rs758677815, ClinGen allele CA658656828.